The following is an entry in ClinVar:

ClinVar aggregate classification (germline): Benign/Likely benign. Review status: criteria provided, multiple submitters, no conflicts (2 of 4 stars). 7 submissions from 7 submitters: Benign (2); Likely benign (3). 2 of the submissions do not count toward it. Last evaluated 2026-01-27.

Conditions:
Hereditary cancer-predisposing syndrome. Also called: Neoplastic Syndromes, Hereditary; Tumor predisposition; Hereditary neoplastic syndrome; Hereditary Cancer Syndrome. Identifiers: Orphanet 140162, MedGen C0027672, MeSH D009386, MONDO:0015356.
Cardiovascular phenotype. Identifiers: MedGen CN230736.

Allele frequency attached by ClinVar (database versions not stated): ESP Exome Variant Server 0.00008; ExAC 0.00009; gnomAD 0.00011 and 0.00012; TOPMed 0.00014; gnomAD exomes 0.00015; 1000 Genomes Project 30x 0.00016; 1000 Genomes Project 0.00020.
gnomAD v4.1: 96 of 1,601,384 alleles (0.006%); highest among the groups gnomAD compares: East Asian, 0.049%; no homozygotes.

Submissions (7):

Labcorp Genetics (formerly Invitae), Labcorp
Classification: Likely benign. Last evaluated: 2026-01-27. Review status: criteria provided, single submitter. Criteria: Invitae Variant Classification Sherloc (09022015). Collection method: clinical testing. Allele origin: germline.

CeGaT Center for Human Genetics Tuebingen
Classification: Likely benign. Last evaluated: 2025-06-01. Review status: criteria provided, single submitter. Criteria: CeGaT Center For Human Genetics Tuebingen Variant Classification Criteria Version 2. Collection method: clinical testing. Allele origin: germline. Affected: yes. Observed: 1 variant allele.
Comment: LZTR1: BP4, BP7

Blueprint Genetics
Classification: Likely benign. Last evaluated: 2024-10-04. Review status: criteria provided, single submitter. Criteria: ACMG Guidelines, 2015. Collection method: clinical testing. Allele origin: germline.

Women's Health and Genetics/Laboratory Corporation of America, LabCorp
Classification: Benign. Last evaluated: 2024-06-17. Review status: criteria provided, single submitter. Criteria: LabCorp Variant Classification Summary - May 2015. Collection method: clinical testing. Allele origin: germline.

Ambry Genetics
Classification: Benign for Cardiovascular phenotype; Hereditary cancer-predisposing syndrome. Last evaluated: 2020-08-11. Review status: criteria provided, single submitter. Criteria: Ambry Variant Classification Scheme 2023. Collection method: clinical testing. Allele origin: germline.

Genome Diagnostics Laboratory, Amsterdam University Medical Center
Classification: Likely benign. Review status: no assertion criteria provided. Collection method: clinical testing. Allele origin: germline. Affected: yes. Study: VKGL Data-share Consensus. Not counted in ClinVar's aggregate classification.

Joint Genome Diagnostic Labs from Nijmegen and Maastricht, Radboudumc and MUMC+
Classification: Likely benign. Review status: no assertion criteria provided. Collection method: clinical testing. Allele origin: germline. Affected: yes. Study: VKGL Data-share Consensus. Not counted in ClinVar's aggregate classification.

NM_006767.4(LZTR1):c.1563C>T (p.Phe521=)

Gene: LZTR1 (leucine zipper like post translational regulator 1; plus strand). Cytogenetic location: 22q11.21.
Variant type: single nucleotide variant.
Coding change: c.1563C>T on transcript NM_006767.4 (MANE Select); coding-DNA position 1563, C replaced by T.
Protein change: p.Phe521=; no amino-acid change (phenylalanine 521 retained).
Molecular consequence: synonymous variant.
Genome position (GRCh38, 1-based): chr22:20,994,217, C>T. VCF-style: chr22-20994217-C-T. GRCh37 (hg19) VCF-style: chr22-21348506-C-T.
Identifiers: ClinVar variation 1109493 (VCV001109493.25), dbSNP rs145974096, ClinGen allele CA10118942.